The following is an entry in ClinVar:

NM_001734.5(C1S):c.530G>A (p.Gly177Glu)

Gene: C1S (complement C1s; plus strand). Cytogenetic location: 12p13.31.
Variant type: single nucleotide variant.
Coding change: c.530G>A on transcript NM_001734.5 (MANE Select); coding-DNA position 530, G replaced by A.
Protein change: p.Gly177Glu; replaces glycine 177 with glutamic acid.
Molecular consequence: missense variant.
Genome position (GRCh38, 1-based): chr12:7,065,112, G>A. VCF-style: chr12-7065112-G-A. GRCh37 (hg19) VCF-style: chr12-7172416-G-A.
Other names: c.29G>A, p.Gly10Glu (NM_001346850.2); c.530G>A, p.Gly177Glu (NM_201442.4); short protein forms G177E, G10E.
Identifiers: ClinVar variation 2868243 (VCV002868243.3), dbSNP rs1947154065, ClinGen allele CA383693458.

ClinVar aggregate classification (germline): Uncertain significance (1 of 4 stars; one submission).

Allele frequency attached by ClinVar (database versions not stated): gnomAD exomes below 0.00001.
gnomAD v4.1: 1 of 1,612,414 alleles (0.000062%); no homozygotes.

Submission:

Labcorp Genetics (formerly Invitae), Labcorp
Classification: Uncertain significance. Last evaluated: 2024-05-06. Review status: criteria provided, single submitter. Criteria: Invitae Variant Classification Sherloc (09022015). Collection method: clinical testing. Allele origin: germline.
Comment: This sequence change replaces glycine, which is neutral and non-polar, with glutamic acid, which is acidic and polar, at codon 177 of the C1S protein (p.Gly177Glu). This variant is not present in population databases (gnomAD no frequency). This variant has not been reported in the literature in individuals affected with C1S-related conditions. Advanced modeling of protein sequence and biophysical properties (such as structural, functional, and spatial information, amino acid conservation, physicochemical variation, residue mobility, and thermodynamic stability) performed at Invitae indicates that this missense variant is not expected to disrupt C1S protein function with a negative predictive value of 80%. In summary, the available evidence is currently insufficient to determine the role of this variant in disease. Therefore, it has been classified as a Variant of Uncertain Significance.